The following is an entry in ClinVar:

NM_001128840.3(CACNA1D):c.3372C>A (p.His1124Gln)

Genes: CACNA1D (calcium voltage-gated channel subunit alpha1 D; plus strand), LOC129936904 (ATAC-STARR-seq lymphoblastoid active region 19969; plus strand). Cytogenetic location: 3p21.1.
Variant type: single nucleotide variant.
Coding change: c.3372C>A on transcript NM_001128840.3 (MANE Select); coding-DNA position 3372, C replaced by A.
Protein change: p.His1124Gln; replaces histidine 1124 with glutamine.
Molecular consequence: missense variant.
Genome position (GRCh38, 1-based): chr3:53,749,325, C>A. VCF-style: chr3-53749325-C-A. GRCh37 (hg19) VCF-style: chr3-53783352-C-A.
Other names: c.3432C>A, p.His1144Gln (NM_000720.4); c.3372C>A, p.His1124Gln (NM_001128839.3); c.3432C>A (NM_000720.3); short protein forms H1124Q, H1144Q.
Identifiers: ClinVar variation 3233969 (VCV003233969.3), dbSNP rs2095203733, ClinGen allele CA353248610.
Genomic context (GRCh38, chr3:53,749,325, plus strand): 5'-TAGGTTGCTGTATAAAGCCATCGACTCGAATGGAGAGAACATCGGCCCAATCTACAACCA[C>A]CGCGTGGAGATCTCCATCTTCTTCATCATCTACATCATCATTGTAGCTTTCTTCATGATG-3'
Protein context (NP_001122312.1, residues 1114-1134): NGENIGPIYN[His1124Gln]RVEISIFFII

ClinVar aggregate classification (germline): Uncertain significance. Review status: criteria provided, single submitter (1 of 4 stars). 2 submissions from 2 submitters: Uncertain significance (1). 1 of the submissions does not count toward it. Last evaluated 2024-03-14.

Conditions:
CACNA1D-related disorder.

gnomAD v4.1: 1 of 1,613,756 alleles (0.000062%); highest among the groups gnomAD compares: East Asian, 0.0022%; no homozygotes.

Submissions (2):

Women's Health and Genetics/Laboratory Corporation of America, LabCorp
Classification: Uncertain significance. Last evaluated: 2024-03-14. Review status: criteria provided, single submitter. Criteria: LabCorp Variant Classification Summary - May 2015. Collection method: clinical testing. Allele origin: germline.
Comment: Variant summary: CACNA1D c.3432C>A (p.His1144Gln) results in a non-conservative amino acid change located in the Ion transport domain (IPR005821) of the encoded protein sequence. Three of five in-silico tools predict a damaging effect of the variant on protein function. The variant was absent in 251422 control chromosomes. The available data on variant occurrences in the general population are insufficient to allow any conclusion about variant significance. To our knowledge, no occurrence of c.3432C>A in individuals affected with Sinoatrial Node Dysfunction And Deafness and no experimental evidence demonstrating its impact on protein function have been reported. No submitters have cited clinical-significance assessments for this variant to ClinVar. Based on the evidence outlined above, the variant was classified as uncertain significance.

PreventionGenetics, part of Exact Sciences
Classification: Uncertain significance for CACNA1D-related condition. Last evaluated: 2024-09-13. Review status: no assertion criteria provided. Collection method: clinical testing. Allele origin: germline. Not counted in ClinVar's aggregate classification.
Comment: The CACNA1D c.3432C>A variant is predicted to result in the amino acid substitution p.His1144Gln. To our knowledge, this variant has not been reported in the literature or in a large population database, indicating this variant is rare. At this time, the clinical significance of this variant is uncertain due to the absence of conclusive functional and genetic evidence.